The following is an entry in ClinVar:

ClinVar aggregate classification (germline): Uncertain significance (1 of 4 stars; one submission).

Conditions:
Progressive sclerosing poliodystrophy (MTDPS4A). Also called: ALPERS PROGRESSIVE INFANTILE POLIODYSTROPHY; NEURONAL DEGENERATION OF CHILDHOOD WITH LIVER DISEASE, PROGRESSIVE; Alpers Syndrome; ALPERS DIFFUSE DEGENERATION OF CEREBRAL GRAY MATTER WITH HEPATIC CIRRHOSIS; Alpers-Huttenlocher Syndrome; Mitochondrial DNA Depletion Syndrome 4A. Identifiers: Orphanet 726, MedGen C0205710, MONDO:0008758, OMIM 203700.

Submission:

Labcorp Genetics (formerly Invitae), Labcorp
Classification: Uncertain significance for Progressive sclerosing poliodystrophy. Last evaluated: 2023-01-22. Review status: criteria provided, single submitter. Criteria: Invitae Variant Classification Sherloc (09022015). Collection method: clinical testing. Allele origin: germline.
Comment: Variants that disrupt the consensus splice site are a relatively common cause of aberrant splicing (PMID: 17576681, 9536098). Algorithms developed to predict the effect of sequence changes on RNA splicing suggest that this variant may disrupt the consensus splice site. In summary, the available evidence is currently insufficient to determine the role of this variant in disease. Therefore, it has been classified as a Variant of Uncertain Significance. Algorithms developed to predict the effect of missense changes on protein structure and function are either unavailable or do not agree on the potential impact of this missense change (SIFT: "Tolerated"; PolyPhen-2: "Probably Damaging"; Align-GVGD: "Class C0"). This variant has not been reported in the literature in individuals affected with POLG-related conditions. This variant is not present in population databases (gnomAD no frequency). This sequence change replaces serine, which is neutral and polar, with threonine, which is neutral and polar, at codon 809 of the POLG protein (p.Ser809Thr). This variant also falls at the last nucleotide of exon 14, which is part of the consensus splice site for this exon.

Literature cited by the submitters: PubMed 17576681; PubMed 9536098.

NM_002693.3(POLG):c.2426G>C (p.Ser809Thr)

Gene: POLG (DNA polymerase gamma, catalytic subunit; minus strand). Cytogenetic location: 15q26.1.
Variant type: single nucleotide variant.
Coding change: c.2426G>C on transcript NM_002693.3 (MANE Select); coding-DNA position 2426, G replaced by C.
Protein change: p.Ser809Thr; replaces serine 809 with threonine.
Molecular consequence: missense variant.
Genome position (GRCh38, 1-based): chr15:89,322,742, C>G on the plus strand (G>C on the coding strand, the complement: POLG is on the minus strand). VCF-style: chr15-89322742-C-G. GRCh37 (hg19) VCF-style: chr15-89865973-C-G.
Other names: c.2426G>C, p.Ser809Thr (NM_001126131.2); short protein forms S809T.
Identifiers: ClinVar variation 2831068 (VCV002831068.3), dbSNP rs2509226454, ClinGen allele CA393756159.